The following is an entry in ClinVar:

ClinVar aggregate classification (germline): Pathogenic (1 of 4 stars; one submission).

Submission:

Labcorp Genetics (formerly Invitae), Labcorp
Classification: Pathogenic. Last evaluated: 2024-03-09. Review status: criteria provided, single submitter. Criteria: Invitae Variant Classification Sherloc (09022015). Collection method: clinical testing. Allele origin: germline.
Comment: This sequence change creates a premature translational stop signal (p.His422Profs*10) in the MYO15A gene. It is expected to result in an absent or disrupted protein product. Loss-of-function variants in MYO15A are known to be pathogenic (PMID: 17546645). This variant is not present in population databases (gnomAD no frequency). This variant has not been reported in the literature in individuals affected with MYO15A-related conditions. For these reasons, this variant has been classified as Pathogenic.

Literature cited by the submitters: PubMed 17546645.

NM_016239.4(MYO15A):c.1264dup (p.His422fs)

Gene: MYO15A (myosin XVA; plus strand). Cytogenetic location: 17p11.2.
Variant type: Duplication.
Coding change: c.1264dup on transcript NM_016239.4 (MANE Select); coding-DNA position 1264, one base duplicated (C; older notation c.1264dupC).
Protein change: p.His422fs; shifts the reading frame from histidine 422.
Molecular consequence: frameshift variant.
Genome position (GRCh38, 1-based): chr17:18,120,064, C duplicated; the last of 4 consecutive C bases (chr17:18,120,061-18,120,064); duplicating any one gives the same sequence. VCF-style (leftmost placement, unchanged base first): chr17-18120060-G-GC. GRCh37 (hg19) VCF-style: chr17-18023374-G-GC.
Other names: short protein forms H422fs.
Identifiers: ClinVar variation 3645183 (VCV003645183.2).
Genomic context (GRCh38, chr17:18,120,060, plus strand): 5'-TTACCCGGAGGAGTCGGCTTCGGCCTTTGTGTACCCCTGGGTACCACCGCCCATCCCGTC[G>GC]CCCCACAACCCGTATGCCCACGCCATGGATGACATCGCCGAGCTGGAGGAACCAGAGGAC-3'